The following is an entry in ClinVar:

ClinVar aggregate classification (germline): Pathogenic/Likely pathogenic. Review status: criteria provided, multiple submitters, no conflicts (2 of 4 stars). 3 submissions from 3 submitters: Pathogenic (1); Likely pathogenic (2). Last evaluated 2024-11-01.

Conditions:
Developmental and epileptic encephalopathy, 9 (DEE9). Also called: EPILEPSY, FEMALE-RESTRICTED, WITH MENTAL RETARDATION; PCDH19-Related X-Linked Female-Limited Epilepsy with Mental Retardation; Early infantile epileptic encephalopathy 9; JUBERG-HELLMAN SYNDROME. Identifiers: Orphanet 101039, Orphanet 2076, MedGen C1848137, MONDO:0010246, OMIM 300088. Disease mechanism: loss of function.

Allele frequency attached by ClinVar (database versions not stated): gnomAD 0.00001.

Submissions (3):

CeGaT Center for Human Genetics Tuebingen
Classification: Likely pathogenic. Last evaluated: 2024-11-01. Review status: criteria provided, single submitter. Criteria: CeGaT Center For Human Genetics Tuebingen Variant Classification Criteria Version 2. Collection method: clinical testing. Allele origin: germline. Affected: yes. Observed: 1 variant allele.
Comment: PCDH19: PM2, PS4:Moderate, PM6:Supporting, PP2

GeneDx
Classification: Pathogenic. Last evaluated: 2020-02-20. Review status: criteria provided, single submitter. Criteria: GeneDx Variant Classification Process June 2021. Collection method: clinical testing. Allele origin: germline. Affected: yes.
Comment: Not observed in large population cohorts (Lek et al., 2016); In silico analysis supports that this missense variant has a deleterious effect on protein structure/function; Missense variants in this gene are often considered pathogenic (Stenson et al., 2014); This variant is associated with the following publications: (PMID: 29377098)

Labcorp Genetics (formerly Invitae), Labcorp
Classification: Likely pathogenic for Developmental and epileptic encephalopathy, 9. Last evaluated: 2018-11-08. Review status: criteria provided, single submitter. Criteria: Invitae Variant Classification Sherloc (09022015). Collection method: clinical testing. Allele origin: germline.
Comment: In summary, the currently available evidence indicates that the variant is pathogenic, but additional data are needed to prove that conclusively. Therefore, this variant has been classified as Likely Pathogenic. Algorithms developed to predict the effect of missense changes on protein structure and function (SIFT, PolyPhen-2, Align-GVGD) all suggest that this variant is likely to be disruptive, but these predictions have not been confirmed by published functional studies and their clinical significance is uncertain. This variant has been observed to be de novo in two individuals affected with epilepsy (PMID: 29377098, Invitae). ClinVar contains an entry for this variant (Variation ID: 206327). This variant is not present in population databases (ExAC no frequency). This sequence change replaces arginine with tryptophan at codon 372 of the PCDH19 protein (p.Arg372Trp). The arginine residue is highly conserved and there is a moderate physicochemical difference between arginine and tryptophan.

Literature cited by the submitters: PubMed 29377098 (cited by Labcorp Genetics (formerly Invitae), Labcorp).

NM_001184880.2(PCDH19):c.1114C>T (p.Arg372Trp)

Gene: PCDH19 (protocadherin 19; minus strand). Cytogenetic location: Xq22.1.
Variant type: single nucleotide variant.
Coding change: c.1114C>T on transcript NM_001184880.2 (MANE Select); coding-DNA position 1114, C replaced by T.
Protein change: p.Arg372Trp; replaces arginine 372 with tryptophan.
Molecular consequence: missense variant.
Genome position (GRCh38, 1-based): chrX:100,407,484, G>A on the plus strand (C>T on the coding strand, the complement: PCDH19 is on the minus strand). VCF-style: chrX-100407484-G-A. GRCh37 (hg19) VCF-style: chrX-99662482-G-A.
Other names: p.R372W:CGG>TGG; c.1114C>T, p.Arg372Trp (NM_001105243.2, NM_020766.3); short protein forms R372W.
Identifiers: ClinVar variation 206327 (VCV000206327.25), dbSNP rs796052812, ClinGen allele CA316336.
Genomic context (GRCh38, chrX:100,407,484, plus strand): 5'-CATTGCCCAGCAAACGGCACTGCACACGTCCATTGAGGCCTGAGTCGCGATCAGACACCC[G>A]CACCAAGGCGATCACGTAGCCCGGGGGGGCGCTCTCGCTGACCTCCACAAGCTCACTGTT-3'
Protein context (NP_001171809.1, residues 362-382): APPGYVIALV[Arg372Trp]VSDRDSGLNG